The following is an entry in ClinVar:

ClinVar aggregate classification (germline): Uncertain significance (1 of 4 stars; one submission).

gnomAD v4.1: 6 of 1,572,368 alleles (0.00038%); highest among the groups gnomAD compares: Non-Finnish European, 0.00052%; no homozygotes.

Submission:

Labcorp Genetics (formerly Invitae), Labcorp
Classification: Uncertain significance. Last evaluated: 2024-04-25. Review status: criteria provided, single submitter. Criteria: Invitae Variant Classification Sherloc (09022015). Collection method: clinical testing. Allele origin: germline.
Comment: This sequence change replaces arginine, which is basic and polar, with threonine, which is neutral and polar, at codon 168 of the TPRKB protein (p.Arg168Thr). This variant is present in population databases (rs765629057, gnomAD 0.003%). This variant has not been reported in the literature in individuals affected with TPRKB-related conditions. An algorithm developed to predict the effect of missense changes on protein structure and function (PolyPhen-2) suggests that this variant is likely to be disruptive. In summary, the available evidence is currently insufficient to determine the role of this variant in disease. Therefore, it has been classified as a Variant of Uncertain Significance.

NM_016058.5(TPRKB):c.503G>C (p.Arg168Thr)

Gene: TPRKB (TP53RK binding protein; minus strand). Cytogenetic location: 2p13.1.
Variant type: single nucleotide variant.
Coding change: c.503G>C on transcript NM_016058.5 (MANE Select); coding-DNA position 503, G replaced by C.
Protein change: p.Arg168Thr; replaces arginine 168 with threonine.
Molecular consequence: missense variant.
Genome position (GRCh38, 1-based): chr2:73,729,968, C>G on the plus strand (G>C on the coding strand, the complement: TPRKB is on the minus strand). VCF-style: chr2-73729968-C-G. GRCh37 (hg19) VCF-style: chr2-73957095-C-G.
Other names: c.620G>C, p.Arg207Thr (NM_001330386.2, NM_001330387.2); c.503G>C, p.Arg168Thr (NM_001330388.2, NM_001330389.2); c.449G>C, p.Arg150Thr (NM_001330390.2); c.404G>C, p.Arg135Thr (NM_001330391.2, NM_001330392.2); short protein forms R135T, R168T, R207T, R150T.
Identifiers: ClinVar variation 3688362 (VCV003688362.2).